The following is an entry in ClinVar:

NM_004360.5(CDH1):c.1666G>C (p.Val556Leu)

Gene: CDH1 (cadherin 1; plus strand). Cytogenetic location: 16q22.1.
Variant type: single nucleotide variant.
Coding change: c.1666G>C on transcript NM_004360.5 (MANE Select); coding-DNA position 1666, G replaced by C.
Protein change: p.Val556Leu; replaces valine 556 with leucine.
Molecular consequence: missense variant. On other transcripts: intron variant (1).
Genome position (GRCh38, 1-based): chr16:68,819,380, G>C. VCF-style: chr16-68819380-G-C. GRCh37 (hg19) VCF-style: chr16-68853283-G-C.
Other names: c.1666G>C (LRG_301t1); c.1483G>C, p.Val495Leu (NM_001317184.2); c.118G>C, p.Val40Leu (NM_001317185.2); c.-254-2621G>C (NM_001317186.2); short protein forms V556L, V40L, V495L.
Identifiers: ClinVar variation 233425 (VCV000233425.17), dbSNP rs876660399, ClinGen allele CA10577545.
Genomic context (GRCh38, chr16:68,819,380, plus strand): 5'-AATCCGGACACTGGTGCCATTTCCACTCGGGCTGAGCTGGACAGGGAGGATTTTGAGCAC[G>C]TGAAGAACAGCACGTACACAGCCCTAATCATAGCTACAGACAATGGTAAGGGGGCCTCAT-3'
Protein context (NP_004351.1, residues 546-566): AELDREDFEH[Val556Leu]KNSTYTALII

ClinVar aggregate classification (germline): Uncertain significance. Review status: criteria provided, multiple submitters, no conflicts (2 of 4 stars). 4 submissions from 4 submitters: Uncertain significance (4). Last evaluated 2024-10-03.

Conditions:
Hereditary cancer-predisposing syndrome. Also called: Tumor predisposition; Hereditary Cancer Syndrome; Hereditary neoplastic syndrome; Neoplastic Syndromes, Hereditary. Identifiers: Orphanet 140162, MedGen C0027672, MeSH D009386, MONDO:0015356.
Hereditary diffuse gastric adenocarcinoma (HDGC). Also called: DIFFUSE GASTRIC AND LOBULAR BREAST CANCER SYNDROME. Identifiers: Orphanet 26106, MedGen C1708349, MONDO:0007648, OMIM 137215.
Familial cancer of breast. Also called: hereditary breast carcinoma; BREAST CANCER, FAMILIAL; Hereditary breast cancer. Identifiers: Orphanet 227535, MedGen C0346153, MONDO:0016419, OMIM 114480. Disease mechanism: loss of function.

Submissions (4):

Ambry Genetics
Classification: Uncertain significance for Hereditary cancer-predisposing syndrome. Last evaluated: 2024-10-03. Review status: criteria provided, single submitter. Criteria: Ambry Variant Classification Scheme 2023. Collection method: clinical testing. Allele origin: germline.
Comment: The p.V556L variant (also known as c.1666G>C), located in coding exon 11 of the CDH1 gene, results from a G to C substitution at nucleotide position 1666. The valine at codon 556 is replaced by leucine, an amino acid with highly similar properties. This amino acid position is well conserved in available vertebrate species. In addition, this alteration is predicted to be tolerated by in silico analysis. Based on the available evidence, the clinical significance of this variant remains unclear.

Baylor Genetics
Classification: Uncertain significance for Familial cancer of breast. Last evaluated: 2024-02-06. Review status: criteria provided, single submitter. Criteria: ACMG Guidelines, 2015. Collection method: clinical testing. Allele origin: unknown.

Labcorp Genetics (formerly Invitae), Labcorp
Classification: Uncertain significance for Hereditary diffuse gastric adenocarcinoma. Last evaluated: 2020-05-20. Review status: criteria provided, single submitter. Criteria: Invitae Variant Classification Sherloc (09022015). Collection method: clinical testing. Allele origin: germline.
Comment: This variant has not been reported in the literature in individuals with CDH1-related conditions. ClinVar contains an entry for this variant (Variation ID: 233425). In summary, the available evidence is currently insufficient to determine the role of this variant in disease. Therefore, it has been classified as a Variant of Uncertain Significance. Algorithms developed to predict the effect of missense changes on protein structure and function are either unavailable or do not agree on the potential impact of this missense change (SIFT: "Deleterious"; PolyPhen-2: "Possibly Damaging"; Align-GVGD: "Class C0"). This variant is not present in population databases (ExAC no frequency). This sequence change replaces valine with leucine at codon 556 of the CDH1 protein (p.Val556Leu). The valine residue is highly conserved and there is a small physicochemical difference between valine and leucine.

GeneDx
Classification: Uncertain significance. Last evaluated: 2015-12-30. Review status: criteria provided, single submitter. Criteria: GeneDx Variant Classification (06012015). Collection method: clinical testing. Allele origin: germline. Affected: yes.
Comment: This variant is denoted CDH1 c.1666G>C at the cDNA level, p.Val556Leu (V556L) at the protein level, and results in the change of a Valine to a Leucine (GTG>CTG). This variant has not, to our knowledge, been published in the literature as pathogenic or benign. CDH1 Val556Leu was not observed in approximately 6,500 individuals of European and African American ancestry in the NHLBI Exome Sequencing Project, suggesting it is not a common benign variant in these populations. Since Valine and Leucine share similar properties, this is considered a conservative amino acid substitution. CDH1 Val556Leu occurs at a position where amino acids with properties similar to Valine are tolerated across species and is located in the 4th Cadherin domain (UniProt). In silico analyses are inconsistent regarding the effect this variant may have on protein structure and function. Based on currently available evidence, it is unclear whether CDH1 Val556Leu is a pathogenic or benign variant. We consider it to be a variant of uncertain significance.